The following is an entry in ClinVar:

NM_001142800.2(EYS):c.3703C>G (p.Leu1235Val)

Gene: EYS (eyes shut homolog; minus strand). Cytogenetic location: 6q12.
Variant type: single nucleotide variant.
Coding change: c.3703C>G on transcript NM_001142800.2 (MANE Select); coding-DNA position 3703, C replaced by G.
Protein change: p.Leu1235Val; replaces leucine 1235 with valine.
Molecular consequence: missense variant.
Genome position (GRCh38, 1-based): chr6:64,593,291, G>C on the plus strand (C>G on the coding strand, the complement: EYS is on the minus strand). VCF-style: chr6-64593291-G-C. GRCh37 (hg19) VCF-style: chr6-65303184-G-C.
Other names: c.3703C>G, p.Leu1235Val (NM_001292009.2); short protein forms L1235V.
Identifiers: ClinVar variation 971514 (VCV000971514.4), dbSNP rs1452073359, ClinGen allele CA364784914.

ClinVar aggregate classification (germline): Uncertain significance (1 of 4 stars; one submission).

gnomAD v4.1: 4 of 1,550,150 alleles (0.00026%); highest among the groups gnomAD compares: South Asian, 0.0048%; no homozygotes.

Submission:

Labcorp Genetics (formerly Invitae), Labcorp
Classification: Uncertain significance. Last evaluated: 2021-08-27. Review status: criteria provided, single submitter. Criteria: Invitae Variant Classification Sherloc (09022015). Collection method: clinical testing. Allele origin: germline.
Comment: This sequence change replaces leucine with valine at codon 1235 of the EYS protein (p.Leu1235Val). The leucine residue is moderately conserved and there is a small physicochemical difference between leucine and valine. This variant is not present in population databases (ExAC no frequency). This variant has not been reported in the literature in individuals affected with EYS-related conditions. Algorithms developed to predict the effect of missense changes on protein structure and function (SIFT, PolyPhen-2, Align-GVGD) all suggest that this variant is likely to be tolerated. In summary, the available evidence is currently insufficient to determine the role of this variant in disease. Therefore, it has been classified as a Variant of Uncertain Significance.